The following is an entry in ClinVar:

NM_182643.3(DLC1):c.3947A>G (p.Asp1316Gly)

Genes: DLC1 (DLC1 Rho GTPase activating protein; minus strand), LOC126860305 (MED14-independent group 3 enhancer GRCh37_chr8:12947375-12948574; plus strand). Cytogenetic location: 8p22.
Variant type: single nucleotide variant.
Coding change: c.3947A>G on transcript NM_182643.3 (MANE Select); coding-DNA position 3947, A replaced by G.
Protein change: p.Asp1316Gly; replaces aspartic acid 1316 with glycine.
Molecular consequence: missense variant. On other transcripts: intron variant (2).
Genome position (GRCh38, 1-based): chr8:13,090,379, T>C on the plus strand (A>G on the coding strand, the complement: DLC1 is on the minus strand). VCF-style: chr8-13090379-T-C. GRCh37 (hg19) VCF-style: chr8-12947888-T-C.
Other names: c.2414A>G, p.Asp805Gly (NM_001164271.2, NM_001348082.2, NM_001348083.1 and 6 more transcripts); c.2738A>G, p.Asp913Gly (NM_001316668.2); c.3947A>G, p.Asp1316Gly (NM_001348081.2, NM_001413124.1); c.2729A>G, p.Asp910Gly (NM_001413130.1); c.2387A>G, p.Asp796Gly (NM_001413131.1, NM_001413137.1); c.2873A>G, p.Asp958Gly (NM_001413132.1); c.2636A>G, p.Asp879Gly (NM_001413135.1, NM_001413139.1, NM_006094.5); c.2771A>G, p.Asp924Gly (NM_001413140.1); and 2 more; short protein forms D879G, D913G, D924G, D958G, D1316G, D796G, D805G, D910G.
Identifiers: ClinVar variation 2871280 (VCV002871280.3), dbSNP rs146094242, ClinGen allele CA4638093.
Genomic context (GRCh38, chr8:13,090,379, plus strand): 5'-ACTTCTTTAAACAGGCCATCCACACAGTCCTGGAGGAAGTGTTGGTAGTCAGCTGAGTCA[T>C]CATTACCCAGGTGCCCGAGTGCTTCCAGAGTGAGGGGCTTCAGCTCTTGTTCGGTATAGG-3'
Protein context (NP_872584.2, residues 1306-1326): TLEALGHLGN[Asp1316Gly]DSADYQHFLQ

ClinVar aggregate classification (germline): Uncertain significance (1 of 4 stars; one submission).

Allele frequency attached by ClinVar (database versions not stated): ExAC 0.00001; TOPMed 0.00001; gnomAD 0.00003; 1000 Genomes Project 30x 0.00016; 1000 Genomes Project 0.00020.
gnomAD v4.1: 13 of 1,614,218 alleles (0.00081%); highest among the groups gnomAD compares: Middle Eastern, 0.016%; no homozygotes.

Submission:

Labcorp Genetics (formerly Invitae), Labcorp
Classification: Uncertain significance. Last evaluated: 2024-11-22. Review status: criteria provided, single submitter. Criteria: Invitae Variant Classification Sherloc (09022015). Collection method: clinical testing. Allele origin: germline.
Comment: This sequence change replaces aspartic acid, which is acidic and polar, with glycine, which is neutral and non-polar, at codon 1316 of the DLC1 protein (p.Asp1316Gly). This variant is present in population databases (rs146094242, gnomAD 0.002%). This variant has not been reported in the literature in individuals affected with DLC1-related conditions. ClinVar contains an entry for this variant (Variation ID: 2871280). An algorithm developed to predict the effect of missense changes on protein structure and function (PolyPhen-2) suggests that this variant is likely to be tolerated. In summary, the available evidence is currently insufficient to determine the role of this variant in disease. Therefore, it has been classified as a Variant of Uncertain Significance.